The following is an entry in ClinVar:

ClinVar aggregate classification (germline): Pathogenic (1 of 4 stars; one submission).

Conditions:
Telangiectasia, hereditary hemorrhagic, type 2 (HHT2). Also called: ACVRL1-Related Hereditary Hemorrhagic Telangiectasia; Telangiectasia, hereditary hemorrhagic, type II. Identifiers: Orphanet 774, MedGen C1838163, MONDO:0010880, OMIM 600376. Disease mechanism: loss of function.

Submission:

Labcorp Genetics (formerly Invitae), Labcorp
Classification: Pathogenic for Telangiectasia, hereditary hemorrhagic, type 2. Last evaluated: 2024-07-30. Review status: criteria provided, single submitter. Criteria: Invitae Variant Classification Sherloc (09022015). Collection method: clinical testing. Allele origin: germline.
Comment: This sequence change creates a premature translational stop signal (p.Thr293Argfs*8) in the ACVRL1 gene. It is expected to result in an absent or disrupted protein product. Loss-of-function variants in ACVRL1 are known to be pathogenic (PMID: 15879500). This variant is not present in population databases (gnomAD no frequency). This variant has not been reported in the literature in individuals affected with ACVRL1-related conditions. ClinVar contains an entry for this variant (Variation ID: 1973256). For these reasons, this variant has been classified as Pathogenic.

Literature cited by the submitters: PubMed 15879500.

NM_000020.3(ACVRL1):c.877del (p.Thr293fs)

Gene: ACVRL1 (activin A receptor like type 1; plus strand). Cytogenetic location: 12q13.13.
Variant type: Deletion.
Coding change: c.877del on transcript NM_000020.3 (MANE Select); coding-DNA position 877, one base deleted (A; older notation c.877delA).
Protein change: p.Thr293fs; shifts the reading frame from threonine 293.
Molecular consequence: frameshift variant.
Genome position (GRCh38, 1-based): chr12:51,915,329, A deleted. VCF-style (leftmost placement, unchanged base first): chr12-51915328-GA-G. GRCh37 (hg19) VCF-style: chr12-52309112-GA-G.
Other names: c.877del, p.Thr293fs (NM_001077401.2); c.877delA, p.Thr293Argfs (NM_001406489.1, NM_001406487.1, NM_001406488.1); c.565delA, p.Thr189Argfs (NM_001406490.1, NM_001406491.1, NM_001406492.1 and 2 more transcripts); c.313delA, p.Thr105Argfs (NM_001406495.1); short protein forms T293fs.
Identifiers: ClinVar variation 1973256 (VCV001973256.5), dbSNP rs2540164341, ClinGen allele CA2580086479.